The following is an entry in ClinVar:

NM_017951.5(SMPD4):c.345+1G>T

Gene: SMPD4 (sphingomyelin phosphodiesterase 4; minus strand). Cytogenetic location: 2q21.1.
Variant type: single nucleotide variant.
Coding change: c.345+1G>T on transcript NM_017951.5 (MANE Select); the canonical splice donor site of the intron after coding-DNA position 345, G replaced by T.
Molecular consequence: splice donor variant. On other transcripts: intron variant (1).
Genome position (GRCh38, 1-based): chr2:130,173,278, C>A on the plus strand (G>T on the coding strand, the complement: SMPD4 is on the minus strand). VCF-style: chr2-130173278-C-A. GRCh37 (hg19) VCF-style: chr2-130930851-C-A.
Other names: NC_000002.11:g.130930851C>A; IVS5DS, G-T, +1; c.244-383G>T (NM_001171083.2); c.462+1G>T (NM_017751.4).
Identifiers: ClinVar variation 691970 (VCV000691970.8), dbSNP rs780446128, ClinGen allele CA1870249.

ClinVar aggregate classification (germline): Pathogenic. Review status: criteria provided, multiple submitters, no conflicts (2 of 4 stars). 4 submissions from 4 submitters: Pathogenic (3). 1 of the submissions does not count toward it. Last evaluated 2026-08-06.

Conditions:
Neurodevelopmental disorder with microcephaly, arthrogryposis, and structural brain anomalies. Identifiers: Orphanet 664923, MedGen C5231431, MONDO:0032838, OMIM 618622.

Allele frequency attached by ClinVar (database versions not stated): gnomAD 0.00001; gnomAD exomes below 0.00001; ExAC 0.00001; TOPMed 0.00002.
gnomAD v4.1: 7 of 1,613,642 alleles (0.00043%); highest among the groups gnomAD compares: Non-Finnish European, 0.00059%; no homozygotes.

Submissions (5):

OLLIN Analises Genomicas, OLLIN
Classification: Pathogenic for Neurodevelopmental disorder with microcephaly, arthrogryposis, and structural brain anomalies. Last evaluated: 2026-08-06. Review status: criteria provided, single submitter. Criteria: ACMG Guidelines 2015 PMID 25741868. Collection method: clinical testing. Allele origin: germline. Inheritance: Autosomal recessive inheritance.
Comment: This variant, located at the canonical splicing site (splice donor), has been reported in ClinVar (accession VCV000691970.7), in gnomAD with an allele frequency of 0.00043%, and in the scientific literature, in compound heterozygosity, in individuals with SMPD4 related disorders (PMID: 31495489). This variant is predicted to disrupt a canonical splice site, potentially leading to exon skipping, mRNA degradation via nonsense-mediated decay (NMD), or production of a truncated protein. According to the currently available evidence, this variant has been classified as pathogenic (PVS1, PM2_P, PM3).

Baylor Genetics
Classification: Pathogenic for Neurodevelopmental disorder with microcephaly, arthrogryposis, and structural brain anomalies. Last evaluated: 2023-04-10. Review status: criteria provided, single submitter. Criteria: ACMG Guidelines, 2015. Collection method: clinical testing. Allele origin: unknown.

Revvity Omics, Revvity
Classification: Pathogenic for Neurodevelopmental disorder with microcephaly, arthrogryposis, and structural brain anomalies. Last evaluated: 2021-05-06. Review status: criteria provided, single submitter. Criteria: ACMG Guidelines, 2015. Collection method: clinical testing. Allele origin: germline.

OMIM
Classification: Pathogenic for NEURODEVELOPMENTAL DISORDER WITH MICROCEPHALY, ARTHROGRYPOSIS, AND STRUCTURAL BRAIN ANOMALIES. Last evaluated: 2019-10-16. Review status: no assertion criteria provided. Collection method: literature only. Allele origin: germline. Not counted in ClinVar's aggregate classification.

Dr. Peter K. Rogan Lab, Western University
No classification provided (evidence only). Condition: Hepatocellular carcinoma. Review status: no classification provided. Collection method: in vitro. Allele origin: not applicable. Functional consequence: skipped exon. Not counted in ClinVar's aggregate classification.

Literature cited by the submitters: PubMed 31495489 (cited by OLLIN Analises Genomicas, OLLIN and OMIM).